The following is an entry in ClinVar:

ClinVar aggregate classification (germline): Benign. Review status: criteria provided, single submitter (1 of 4 stars). 2 submissions from 2 submitters: Benign (1). 1 of the submissions does not count toward it. Last evaluated 2026-01-15.

Conditions:
NANS-related disorder. Also called: NANS-related condition.

Allele frequency attached by ClinVar (database versions not stated): ESP Exome Variant Server 0.01707; gnomAD exomes 0.00379; ExAC 0.00481; 1000 Genomes Project 0.01398; 1000 Genomes Project 30x 0.01421; gnomAD 0.01483 and 0.01589; TOPMed 0.01624.
gnomAD v4.1: 4,346 of 1,613,992 alleles (0.27%); highest among the groups gnomAD compares: African/African-American, 5.2%; 112 homozygotes.

Submissions (2):

Labcorp Genetics (formerly Invitae), Labcorp
Classification: Benign. Last evaluated: 2026-01-15. Review status: criteria provided, single submitter. Criteria: Invitae Variant Classification Sherloc (09022015). Collection method: clinical testing. Allele origin: germline.

PreventionGenetics, part of Exact Sciences
Classification: Benign for NANS-related condition. Last evaluated: 2019-10-16. Review status: no assertion criteria provided. Collection method: clinical testing. Allele origin: germline. Not counted in ClinVar's aggregate classification.
Comment: This variant is classified as benign based on ACMG/AMP sequence variant interpretation guidelines (Richards et al. 2015 PMID: 25741868, with internal and published modifications).

NM_018946.4(NANS):c.870+7C>G

Genes: NANS (N-acetylneuraminate synthase; plus strand), TRIM14 (tripartite motif containing 14; minus strand). Cytogenetic location: 9q22.33.
Variant type: single nucleotide variant.
Coding change: c.870+7C>G on transcript NM_018946.4 (MANE Select); 7 bases into the intron after coding-DNA position 870, C replaced by G.
Molecular consequence: intron variant.
Genome position (GRCh38, 1-based): chr9:98,081,089, C>G. VCF-style: chr9-98081089-C-G. GRCh37 (hg19) VCF-style: chr9-100843371-C-G.
Identifiers: ClinVar variation 714430 (VCV000714430.12), dbSNP rs7030291, ClinGen allele CA5150406.